The following is an entry in ClinVar:

ClinVar aggregate classification (germline): Uncertain significance (1 of 4 stars; one submission).

Submission:

GeneDx
Classification: Uncertain significance. Last evaluated: 2026-06-11. Review status: criteria provided, single submitter. Criteria: GeneDx Variant Classification Process June 2021. Collection method: clinical testing. Allele origin: germline.
Comment: Not observed at significant frequency in large population cohorts (gnomAD); In silico analysis supports that this missense variant has a deleterious effect on protein structure/function; Has not been previously published as pathogenic or benign to our knowledge

NM_004380.3(CREBBP):c.3377T>C (p.Phe1126Ser)

Gene: CREBBP (CREB binding lysine acetyltransferase; minus strand). Cytogenetic location: 16p13.3.
Variant type: single nucleotide variant.
Coding change: c.3377T>C on transcript NM_004380.3 (MANE Select); coding-DNA position 3377, T replaced by C.
Protein change: p.Phe1126Ser; replaces phenylalanine 1126 with serine.
Molecular consequence: missense variant.
Genome position (GRCh38, 1-based): chr16:3,758,041, A>G on the plus strand (T>C on the coding strand, the complement: CREBBP is on the minus strand). VCF-style: chr16-3758041-A-G. GRCh37 (hg19) VCF-style: chr16-3808042-A-G.
Other names: c.3263T>C, p.Phe1088Ser (NM_001079846.1); short protein forms F1088S, F1126S.
Identifiers: ClinVar variation 3360546 (VCV003360546.2).